The following is an entry in ClinVar:

ClinVar aggregate classification (germline): Uncertain significance (1 of 4 stars; one submission).

Submission:

Labcorp Genetics (formerly Invitae), Labcorp
Classification: Uncertain significance. Last evaluated: 2022-09-28. Review status: criteria provided, single submitter. Criteria: Invitae Variant Classification Sherloc (09022015). Collection method: clinical testing. Allele origin: germline.
Comment: In summary, the available evidence is currently insufficient to determine the role of this variant in disease. Therefore, it has been classified as a Variant of Uncertain Significance. This variant has not been reported in the literature in individuals affected with SCN3A-related conditions. This variant is not present in population databases (gnomAD no frequency). This sequence change replaces arginine, which is basic and polar, with serine, which is neutral and polar, at codon 1877 of the SCN3A protein (p.Arg1877Ser). Advanced modeling of protein sequence and biophysical properties (such as structural, functional, and spatial information, amino acid conservation, physicochemical variation, residue mobility, and thermodynamic stability) has been performed at Invitae for this missense variant, however the output from this modeling did not meet the statistical confidence thresholds required to predict the impact of this variant on SCN3A protein function.

NM_006922.4(SCN3A):c.5631G>T (p.Arg1877Ser)

Gene: SCN3A (sodium voltage-gated channel alpha subunit 3; minus strand). Cytogenetic location: 2q24.3.
Variant type: single nucleotide variant.
Coding change: c.5631G>T on transcript NM_006922.4 (MANE Select); coding-DNA position 5631, G replaced by T.
Protein change: p.Arg1877Ser; replaces arginine 1877 with serine.
Molecular consequence: missense variant.
Genome position (GRCh38, 1-based): chr2:165,090,522, C>A on the plus strand (G>T on the coding strand, the complement: SCN3A is on the minus strand). VCF-style: chr2-165090522-C-A. GRCh37 (hg19) VCF-style: chr2-165947032-C-A.
Other names: c.5484G>T, p.Arg1828Ser (NM_001081676.2, NM_001081677.2); short protein forms R1828S, R1877S.
Identifiers: ClinVar variation 1720580 (VCV001720580.5), dbSNP rs2105617980, ClinGen allele CA349010733.